The following is an entry in ClinVar:

ClinVar aggregate classification (germline): Benign/Likely benign. Review status: criteria provided, multiple submitters, no conflicts (2 of 4 stars). 3 submissions from 3 submitters: Benign (1); Likely benign (1). 1 of the submissions does not count toward it. Last evaluated 2026-01-14.

Conditions:
DYNC2I1-related disorder. Also called: DYNC2I1-related condition.
Short-rib thoracic dysplasia 8 with or without polydactyly (SRTD8). Also called: SHORT-RIB THORACIC DYSPLASIA 8 WITH POLYDACTYLY. Identifiers: Orphanet 93271, MedGen C3809691, MONDO:0014214, OMIM 615503.

Allele frequency attached by ClinVar (database versions not stated): gnomAD 0.00009 and 0.00012; gnomAD exomes 0.00009 and 0.00046; TOPMed 0.00014; ExAC 0.00046; 1000 Genomes Project 30x 0.00047; 1000 Genomes Project 0.00060.
gnomAD v4.1: 152 of 1,610,704 alleles (0.0094%); highest among the groups gnomAD compares: East Asian, 0.32%; no homozygotes.

Submissions (3):

Labcorp Genetics (formerly Invitae), Labcorp
Classification: Benign for Short-rib thoracic dysplasia 8 with or without polydactyly. Last evaluated: 2026-01-14. Review status: criteria provided, single submitter. Criteria: Invitae Variant Classification Sherloc (09022015). Collection method: clinical testing. Allele origin: germline.

Blueprint Genetics
Classification: Likely benign. Last evaluated: 2024-10-22. Review status: criteria provided, single submitter. Criteria: ACMG Guidelines, 2015. Collection method: clinical testing. Allele origin: germline.

PreventionGenetics, part of Exact Sciences
Classification: Likely benign for DYNC2I1-related condition. Last evaluated: 2024-07-10. Review status: no assertion criteria provided. Collection method: clinical testing. Allele origin: germline. Not counted in ClinVar's aggregate classification.
Comment: This variant is classified as likely benign based on ACMG/AMP sequence variant interpretation guidelines (Richards et al. 2015 PMID: 25741868, with internal and published modifications).

NM_018051.5(DYNC2I1):c.3045T>C (p.Gly1015=)

Gene: DYNC2I1 (dynein 2 intermediate chain 1; plus strand). Cytogenetic location: 7q36.3.
Variant type: single nucleotide variant.
Coding change: c.3045T>C on transcript NM_018051.5 (MANE Select); coding-DNA position 3045, T replaced by C.
Protein change: p.Gly1015=; no amino-acid change (glycine 1015 retained).
Molecular consequence: synonymous variant.
Genome position (GRCh38, 1-based): chr7:158,945,623, T>C. VCF-style: chr7-158945623-T-C. GRCh37 (hg19) VCF-style: chr7-158738314-T-C.
Other names: c.2907T>C, p.Gly969= (NM_001350914.2); c.2472T>C, p.Gly824= (NM_001350915.2); c.1584T>C, p.Gly528= (NM_001350916.2); c.1797T>C, p.Gly599= (NM_001350917.2, NM_001350918.2); c.3045T>C (NM_018051.4).
Identifiers: ClinVar variation 1680733 (VCV001680733.10), dbSNP rs377462355, ClinGen allele CA4595199.